The following is an entry in ClinVar:

ClinVar aggregate classification (germline): Uncertain significance (1 of 4 stars; one submission).

Conditions:
Cardiovascular phenotype. Identifiers: MedGen CN230736.

Submission:

Ambry Genetics
Classification: Uncertain significance for Cardiovascular phenotype. Last evaluated: 2025-12-28. Review status: criteria provided, single submitter. Criteria: Ambry Variant Classification Scheme 2023. Collection method: clinical testing. Allele origin: germline.
Comment: The p.E121D variant (also known as c.363A>C), located in coding exon 4 of the PTPN11 gene, results from an A to C substitution at nucleotide position 363. The glutamic acid at codon 121 is replaced by aspartic acid, an amino acid with highly similar properties. This amino acid position is conserved. In addition, the in silico prediction for this alteration is inconclusive. Based on the available evidence, the clinical significance of this variant remains unclear.

NM_002834.5(PTPN11):c.363A>C (p.Glu121Asp)

Gene: PTPN11 (protein tyrosine phosphatase non-receptor type 11; plus strand). Cytogenetic location: 12q24.13.
Variant type: single nucleotide variant.
Coding change: c.363A>C on transcript NM_002834.5 (MANE Select); coding-DNA position 363, A replaced by C.
Protein change: p.Glu121Asp; replaces glutamic acid 121 with aspartic acid.
Molecular consequence: missense variant.
Genome position (GRCh38, 1-based): chr12:112,453,225, A>C. VCF-style: chr12-112453225-A-C. GRCh37 (hg19) VCF-style: chr12-112891029-A-C.
Other names: c.363A>C, p.Glu121Asp (NM_001330437.2, NM_080601.3); c.360A>C, p.Glu120Asp (NM_001374625.1); short protein forms E120D, E121D.
Identifiers: ClinVar variation 4843870 (VCV004843870.1).
Genomic context (GRCh38, chr12:112,453,225, plus strand): 5'-AAATTCTTTTTTATTTTTTAAAAACTTTAGGTGGTTTCATGGACATCTCTCTGGGAAAGA[A>C]GCAGAGAAATTATTAACTGAAAAAGGAAAACATGGTAGTTTTCTTGTACGAGAGAGCCAG-3'
Protein context (NP_002825.3, residues 111-131): RWFHGHLSGK[Glu121Asp]AEKLLTEKGK